The following is an entry in ClinVar:

NM_006642.5(SDCCAG8):c.22T>C (p.Ser8Pro)

Gene: SDCCAG8 (SHH signaling and ciliogenesis regulator SDCCAG8; plus strand). Cytogenetic location: 1q43.
Variant type: single nucleotide variant.
Coding change: c.22T>C on transcript NM_006642.5 (MANE Select); coding-DNA position 22, T replaced by C.
Protein change: p.Ser8Pro; replaces serine 8 with proline.
Molecular consequence: missense variant. On other transcripts: 5 prime UTR variant (4).
Genome position (GRCh38, 1-based): chr1:243,256,195, T>C. VCF-style: chr1-243256195-T-C. GRCh37 (hg19) VCF-style: chr1-243419497-T-C.
Other names: c.-1091T>C (NM_001350246.2); c.-979T>C (NM_001350247.2); c.22T>C, p.Ser8Pro (NM_001350248.2); c.-286T>C (NM_001350249.2); c.-1352T>C (NM_001350251.2); short protein forms S8P.
Identifiers: ClinVar variation 1470091 (VCV001470091.9), dbSNP rs1193390013, ClinGen allele CA345478106.

ClinVar aggregate classification (germline): Uncertain significance. Review status: criteria provided, multiple submitters, no conflicts (2 of 4 stars). 2 submissions from 2 submitters: Uncertain significance (2). Last evaluated 2022-10-13.

Conditions:
Senior-Loken syndrome 7 (SLSN7). Identifiers: Orphanet 3156, MedGen C3150877, MONDO:0013326, OMIM 613615.
Bardet-Biedl syndrome 16 (BBS16). Identifiers: Orphanet 110, MedGen C3889474, MONDO:0014444, OMIM 615993.

Allele frequency attached by ClinVar (database versions not stated): gnomAD exomes below 0.00001.
gnomAD v4.1: 4 of 1,614,172 alleles (0.00025%); highest among the groups gnomAD compares: Non-Finnish European, 0.00034%; no homozygotes.

Submissions (2):

Labcorp Genetics (formerly Invitae), Labcorp
Classification: Uncertain significance for Bardet-Biedl syndrome 16; Senior-Loken syndrome 7. Last evaluated: 2022-10-13. Review status: criteria provided, single submitter. Criteria: Invitae Variant Classification Sherloc (09022015). Collection method: clinical testing. Allele origin: germline.
Comment: This sequence change replaces serine, which is neutral and polar, with proline, which is neutral and non-polar, at codon 8 of the SDCCAG8 protein (p.Ser8Pro). This variant is present in population databases (no rsID available, gnomAD 0.0009%). This variant has not been reported in the literature in individuals affected with SDCCAG8-related conditions. ClinVar contains an entry for this variant (Variation ID: 1470091). Algorithms developed to predict the effect of missense changes on protein structure and function are either unavailable or do not agree on the potential impact of this missense change (SIFT: "Deleterious"; PolyPhen-2: "Possibly Damaging"; Align-GVGD: "Class C0"). In summary, the available evidence is currently insufficient to determine the role of this variant in disease. Therefore, it has been classified as a Variant of Uncertain Significance.

Fulgent Genetics
Classification: Uncertain significance for Senior-Loken syndrome 7; Bardet-Biedl syndrome 16. Last evaluated: 2021-09-20. Review status: criteria provided, single submitter. Criteria: ACMG Guidelines, 2015. Collection method: clinical testing. Allele origin: unknown.